The following is an entry in ClinVar:

NM_006280.3(SSR4):c.480C>G (p.Ile160Met)

Gene: SSR4 (signal sequence receptor subunit 4; plus strand). Cytogenetic location: Xq28.
Variant type: single nucleotide variant.
Coding change: c.480C>G on transcript NM_006280.3 (MANE Select); coding-DNA position 480, C replaced by G.
Protein change: p.Ile160Met; replaces isoleucine 160 with methionine.
Molecular consequence: missense variant.
Genome position (GRCh38, 1-based): chrX:153,798,391, C>G. VCF-style: chrX-153798391-C-G. GRCh37 (hg19) VCF-style: chrX-153063846-C-G.
Other names: c.513C>G, p.Ile171Met (NM_001204526.2); c.504C>G, p.Ile168Met (NM_001204527.2); short protein forms I160M, I168M, I171M.
Identifiers: ClinVar variation 2691389 (VCV002691389.1), dbSNP rs1054261, ClinGen allele CA10553390.
Genomic context (GRCh38, chrX:153,798,391, plus strand): 5'-CACTTGGAACGGGCCCTGGGTGTCCACTGAGGTGCTGGCTGCGGCGATCGGCCTTGTGAT[C>G]TACTACTTGGCCTTCAGTGCGAAGAGCCACATCCAGGCCTGAGGGCGGCACCCCAGCCCT-3'
Protein context (NP_006271.1, residues 150-170): EVLAAAIGLV[Ile160Met]YYLAFSAKSH

ClinVar aggregate classification (germline): Uncertain significance (1 of 4 stars; one submission).

Allele frequency attached by ClinVar (database versions not stated): TOPMed 0.00001.
gnomAD v4.1: 2 of 1,202,877 alleles (0.00017%); highest among the groups gnomAD compares: Admixed American, 0.0044%; no homozygotes.

Submission:

Women's Health and Genetics/Laboratory Corporation of America, LabCorp
Classification: Uncertain significance. Last evaluated: 2023-12-22. Review status: criteria provided, single submitter. Criteria: LabCorp Variant Classification Summary - May 2015. Collection method: clinical testing. Allele origin: germline.
Comment: Variant summary: SSR4 c.480C>G (p.Ile160Met) results in a conservative amino acid change in the encoded protein sequence. Four of five in-silico tools predict a benign effect of the variant on protein function. The variant allele was found at a frequency of 1.3e-05 in 159996 control chromosomes. The available data on variant occurrences in the general population are insufficient to allow any conclusion about variant significance. To our knowledge, no occurrence of c.480C>G in individuals affected with SSR4-Congenital Disorder Of Glycosylation and no experimental evidence demonstrating its impact on protein function have been reported. No submitters have cited clinical-significance assessments for this variant to ClinVar after 2014. Based on the evidence outlined above, the variant was classified as uncertain significance.